The following is an entry in ClinVar:

NM_004991.4(MECOM):c.2366C>A (p.Thr789Asn)

Gene: MECOM (MDS1 and EVI1 complex locus; minus strand). Cytogenetic location: 3q26.2.
Variant type: single nucleotide variant.
Coding change: c.2366C>A on transcript NM_004991.4 (MANE Select); coding-DNA position 2366, C replaced by A.
Protein change: p.Thr789Asn; replaces threonine 789 with asparagine.
Molecular consequence: missense variant.
Genome position (GRCh38, 1-based): chr3:169,115,506, G>T on the plus strand (C>A on the coding strand, the complement: MECOM is on the minus strand). VCF-style: chr3-169115506-G-T. GRCh37 (hg19) VCF-style: chr3-168833294-G-T.
Other names: c.1997C>A, p.Thr666Asn (NM_001105077.4); c.1802C>A, p.Thr601Asn (NM_001105078.4, NM_001164000.2, NM_001205194.2 and 4 more transcripts); c.1805C>A, p.Thr602Asn (NM_001163999.2, NM_001366467.2, NM_001366468.2 and 1 more transcripts); c.2366C>A, p.Thr789Asn (NM_001366466.2); c.1394C>A, p.Thr465Asn (NM_001366473.2); c.830C>A, p.Thr277Asn (NM_001366474.2); short protein forms T277N, T465N, T789N, T602N, T601N, T666N.
Identifiers: ClinVar variation 4105811 (VCV004105811.1).

ClinVar aggregate classification (germline): Uncertain significance (1 of 4 stars; one submission).

Conditions:
Inborn genetic diseases. Identifiers: MedGen C0950123, MeSH D030342.

gnomAD v4.1: 7 of 1,614,112 alleles (0.00043%); highest among the groups gnomAD compares: South Asian, 0.0077%; no homozygotes.

Submission:

Ambry Genetics
Classification: Uncertain significance for Inborn genetic diseases. Last evaluated: 2025-08-01. Review status: criteria provided, single submitter. Criteria: Ambry Variant Classification Scheme 2023. Collection method: clinical testing. Allele origin: germline.
Comment: The p.T789N variant (also known as c.2366C>A), located in coding exon 8 of the MECOM gene, results from a C to A substitution at nucleotide position 2366. The threonine at codon 789 is replaced by asparagine, an amino acid with similar properties. This amino acid position is conserved. In addition, this alteration is predicted to be tolerated by in silico analysis. Based on the available evidence, the clinical significance of this variant remains unclear.